The following is an entry in ClinVar:

NM_021964.3(ZNF148):c.2208del (p.Tyr737fs)

Genes: ZNF148 (zinc finger protein 148; minus strand), LOC126806798 (P300/CBP strongly-dependent group 1 enhancer GRCh37_chr3:124950809-124952008; plus strand). Cytogenetic location: 3q21.2.
Variant type: Deletion.
Coding change: c.2208del on transcript NM_021964.3 (MANE Select); coding-DNA position 2208, one base deleted (C; older notation c.2208delC).
Protein change: p.Tyr737fs; shifts the reading frame from tyrosine 737.
Molecular consequence: frameshift variant.
Genome position (GRCh38, 1-based): chr3:125,232,518, G deleted on the plus strand (C on the coding strand, the reverse complement: ZNF148 is on the minus strand); the first of 3 consecutive G bases (chr3:125,232,518-125,232,520); deleting any one gives the same sequence. VCF-style (leftmost placement, unchanged base first): chr3-125232517-AG-A. GRCh37 (hg19) VCF-style: chr3-124951361-AG-A.
Other names: c.2208del, p.Tyr737fs (NM_001348424.1, NM_001348425.2, NM_001348426.2 and 7 more transcripts); c.2082del, p.Tyr695fs (NM_001348434.2); short protein forms Y695fs, Y737fs.
Identifiers: ClinVar variation 4086328 (VCV004086328.1).

ClinVar aggregate classification (germline): Uncertain significance (1 of 4 stars; one submission).

Submission:

GeneDx
Classification: Uncertain significance. Last evaluated: 2025-03-20. Review status: criteria provided, single submitter. Criteria: GeneDx Variant Classification Process June 2021. Collection method: clinical testing. Allele origin: germline. Affected: yes.
Comment: Frameshift variant predicted to result in abnormal protein length as the last 58 amino acid(s) are replaced with 7 different amino acid(s); Not observed at significant frequency in large population cohorts (gnomAD); Has not been previously published as pathogenic or benign to our knowledge